The following is an entry in ClinVar:

NM_007294.4(BRCA1):c.795T>C (p.Ser265=)

Gene: BRCA1 (BRCA1 DNA repair associated; minus strand). Cytogenetic location: 17q21.31.
Variant type: single nucleotide variant.
Coding change: c.795T>C on transcript NM_007294.4 (MANE Select); coding-DNA position 795, T replaced by C.
Protein change: p.Ser265=; no amino-acid change (serine 265 retained).
Molecular consequence: synonymous variant. On other transcripts: 5 prime UTR variant (2), intron variant (137).
Genome position (GRCh38, 1-based): chr17:43,094,736, A>G on the plus strand (T>C on the coding strand, the complement: BRCA1 is on the minus strand). VCF-style: chr17-43094736-A-G. GRCh37 (hg19) VCF-style: chr17-41246753-A-G.
Other names: S265S; c.669T>C, p.Ser223= (NM_001407673.1, NM_001407685.1, NM_001407686.1 and 11 more transcripts); c.672T>C, p.Ser224= (NM_001407674.1, NM_001407675.1, NM_001407676.1 and 19 more transcripts); c.795T>C, p.Ser265= (NM_001407684.1, NM_001407854.1, NM_001407858.1 and 30 more transcripts); c.654T>C, p.Ser218= (NM_001407692.1, NM_001407694.1, NM_001407695.1 and 29 more transcripts); c.651T>C, p.Ser217= (NM_001407740.1, NM_001407741.1, NM_001407742.1 and 20 more transcripts); c.582T>C, p.Ser194= (NM_001407853.1, NM_001407894.1, NM_001407895.1 and 9 more transcripts); c.792T>C, p.Ser264= (NM_001407860.1, NM_001407861.1, NM_001407587.1 and 22 more transcripts); and 41 more.
Identifiers: ClinVar variation 55708 (VCV000055708.26), dbSNP rs201441987, ClinGen allele CA353761.

ClinVar aggregate classification (germline): Benign. Review status: reviewed by expert panel (3 of 4 stars). 13 submissions from 13 submitters: Benign (1). 12 of the submissions do not count toward it. Last evaluated 2017-06-29.

Conditions:
Breast-ovarian cancer, familial, susceptibility to, 1 (BROVCA1). Also called: BRCA1 Hereditary Breast and Ovarian Cancer; OVARIAN CANCER, SUSCEPTIBILITY TO. Identifiers: Orphanet 145, MedGen C2676676, MONDO:0011450, OMIM 604370. Disease mechanism: loss of function.
Familial cancer of breast. Also called: hereditary breast carcinoma; BREAST CANCER, FAMILIAL; Hereditary breast cancer. Identifiers: Orphanet 227535, MedGen C0346153, MONDO:0016419, OMIM 114480. Disease mechanism: loss of function.
Fanconi anemia, complementation group S (FANCS). Identifiers: MedGen C4554406, MONDO:0054748, OMIM 617883.
BRCA1-related disorder. Also called: BRCA1-related condition.
Hereditary cancer-predisposing syndrome. Also called: Hereditary Cancer Syndrome; Hereditary neoplastic syndrome; Neoplastic Syndromes, Hereditary; Tumor predisposition. Identifiers: Orphanet 140162, MedGen C0027672, MeSH D009386, MONDO:0015356.
Hereditary breast ovarian cancer syndrome. Also called: BRCA1- and BRCA2-Associated Hereditary Breast and Ovarian Cancer; Hereditary breast and ovarian cancer syndrome; Hereditary breast and ovarian cancer syndrome (HBOC); Breast and ovarian cancer; Hereditary breast and/or ovarian cancer syndrome; Hereditary breast and ovarian cancer. Identifiers: Orphanet 145, MedGen C0677776, MeSH D061325, MONDO:0003582. Disease mechanism: loss of function.

Allele frequency attached by ClinVar (database versions not stated): TOPMed 0.00011; gnomAD 0.00006 and 0.00007; 1000 Genomes Project 0.00020; gnomAD exomes 0.00004 and 0.00021; 1000 Genomes Project 30x 0.00016; ExAC 0.00022.
gnomAD v4.1: 67 of 1,610,722 alleles (0.0042%); highest among the groups gnomAD compares: East Asian, 0.13%; no homozygotes.

Submissions (13):

Evidence-based Network for the Interpretation of Germline Mutant Alleles (ENIGMA)
Classification: Benign for Breast-ovarian cancer, familial, susceptibility to, 1. Last evaluated: 2017-06-29. Review status: reviewed by expert panel. Criteria: ENIGMA BRCA1/2 Classification Criteria (2017-06-29). Collection method: curation. Allele origin: germline.
Comment: Synonymous substitution variant, with low bioinformatic likelihood to alter mRNA splicing (splicing prior 0.02) and frequency 0.0031 (East Asian), derived from ExAC (2014-12-17).

Labcorp Genetics (formerly Invitae), Labcorp
Classification: Benign for Hereditary breast ovarian cancer syndrome. Last evaluated: 2026-01-31. Review status: criteria provided, single submitter. Criteria: Invitae Variant Classification Sherloc (09022015). Collection method: clinical testing. Allele origin: germline. Not counted in ClinVar's aggregate classification.

Blueprint Genetics
Classification: Likely benign. Last evaluated: 2023-11-29. Review status: criteria provided, single submitter. Criteria: ACMG Guidelines, 2015. Collection method: clinical testing. Allele origin: germline. Not counted in ClinVar's aggregate classification.

Quest Diagnostics Nichols Institute San Juan Capistrano
Classification: Benign. Last evaluated: 2022-11-25. Review status: criteria provided, single submitter. Criteria: Quest Diagnostics criteria. Collection method: clinical testing. Allele origin: unknown. Not counted in ClinVar's aggregate classification.

Department of Pathology and Laboratory Medicine, Sinai Health System
Classification: Likely benign for Familial cancer of breast; Breast-ovarian cancer, familial, susceptibility to, 1; Fanconi anemia, complementation group S. Last evaluated: 2022-02-24. Review status: criteria provided, single submitter. Criteria: ACMG Guidelines, 2015. Collection method: clinical testing. Allele origin: germline. Affected: yes. Not counted in ClinVar's aggregate classification.

Sema4
Classification: Likely benign for Hereditary cancer-predisposing syndrome. Last evaluated: 2021-12-15. Review status: criteria provided, single submitter. Criteria: Sema4 Curation Guidelines. Collection method: curation. Allele origin: germline. Not counted in ClinVar's aggregate classification.

Cancer Genetics and Genomics Laboratory, British Columbia Cancer Agency
Classification: Likely benign. Last evaluated: 2017-04-18. Review status: criteria provided, single submitter. Criteria: ACMG Guidelines, 2015. Collection method: clinical testing. Allele origin: germline. Study: The Canadian Open Genetics Repository (COGR). Not counted in ClinVar's aggregate classification.

Women's Health and Genetics/Laboratory Corporation of America, LabCorp
Classification: Likely benign. Last evaluated: 2017-02-21. Review status: criteria provided, single submitter. Criteria: LabCorp Variant Classification Summary - May 2015. Collection method: clinical testing. Allele origin: germline. Not counted in ClinVar's aggregate classification.
Comment: Variant summary: The BRCA1 795T>C (p.Ser265Ser) variant causes a synonymous change involving the alteration of a conserved nucleotide, which 5/5 splice prediction tools predict no significant impact on normal splicing. The variant of interest was observed in the large, broad control population, ExAC, with an allele frequency of 27/121032 (1/4482), predominantly in the East Asian cohort, 27/8652 (1/320), which does exceed the estimated maximal expected allele frequency for a pathogenic BRCA1 variant of 1/1000. Therefore, suggesting the variant is a benign polymorphism found in population(s) of East Asian origin. A functional study, Raponi_2012 reports that the variant could influence the use of an alternative splice site reducing the D(11a) isoform, however, this functional experiment alone is not sufficient evidence to suggest pathogenicity. In addition, Thirthagiri_2008 and Judkins_2005, along with multiple clinical diagnostic laboratories classify the variant as "likely benign/benign/polymorphism." Taken together, this variant is classified as a "likely benign."

Color Diagnostics, LLC DBA Color Health
Classification: Likely benign for Hereditary cancer-predisposing syndrome. Last evaluated: 2016-02-17. Review status: criteria provided, single submitter. Criteria: ACMG Guidelines, 2015. Collection method: clinical testing. Allele origin: germline. Not counted in ClinVar's aggregate classification.

Ambry Genetics
Classification: Likely benign for Hereditary cancer-predisposing syndrome. Last evaluated: 2014-09-30. Review status: criteria provided, single submitter. Criteria: Ambry Variant Classification Scheme 2023. Collection method: clinical testing. Allele origin: germline. Not counted in ClinVar's aggregate classification.

PreventionGenetics, part of Exact Sciences
Classification: Likely benign for BRCA1-related condition. Last evaluated: 2022-10-26. Review status: no assertion criteria provided. Collection method: clinical testing. Allele origin: germline. Not counted in ClinVar's aggregate classification.
Comment: This variant is classified as likely benign based on ACMG/AMP sequence variant interpretation guidelines (Richards et al. 2015 PMID: 25741868, with internal and published modifications).

Counsyl
Classification: Likely benign for Breast-ovarian cancer, familial, susceptibility to, 1. Last evaluated: 2018-02-20. Review status: no assertion criteria provided. Collection method: clinical testing. Allele origin: unknown. Not counted in ClinVar's aggregate classification.

Breast Cancer Information Core (BIC) (BRCA1)
Classification: Uncertain significance for Breast-ovarian cancer, familial 1. Last evaluated: 2010-09-18. Review status: no assertion criteria provided. Collection method: clinical testing. Allele origin: germline. Affected: yes. Observed: 1 variant allele. Not counted in ClinVar's aggregate classification.

Literature cited by the submitters: PubMed 30287823 (cited by Quest Diagnostics Nichols Institute San Juan Capistrano and Department of Pathology and Laboratory Medicine, Sinai Health System); PubMed 32467295 (cited by Quest Diagnostics Nichols Institute San Juan Capistrano); PubMed 28364669 (cited by Quest Diagnostics Nichols Institute San Juan Capistrano and Counsyl); PubMed 22615956 (cited by 4 submitters); PubMed 16267036 (cited by Quest Diagnostics Nichols Institute San Juan Capistrano and Women's Health and Genetics/Laboratory Corporation of America, LabCorp); PubMed 18627636 (cited by 4 submitters); PubMed 11059339 (cited by Women's Health and Genetics/Laboratory Corporation of America, LabCorp and Counsyl).